The following is an entry in ClinVar:

NM_002160.4(TNC):c.194C>T (p.Ser65Leu)

Gene: TNC (tenascin C; minus strand). Cytogenetic location: 9q33.1.
Variant type: single nucleotide variant.
Coding change: c.194C>T on transcript NM_002160.4 (MANE Select); coding-DNA position 194, C replaced by T.
Protein change: p.Ser65Leu; replaces serine 65 with leucine.
Molecular consequence: missense variant.
Genome position (GRCh38, 1-based): chr9:115,090,825, G>A on the plus strand (C>T on the coding strand, the complement: TNC is on the minus strand). VCF-style: chr9-115090825-G-A. GRCh37 (hg19) VCF-style: chr9-117853104-G-A.
Other names: c.194C>T, p.Ser65Leu (NM_001410991.1); short protein forms S65L.
Identifiers: ClinVar variation 3032422 (VCV003032422.2), dbSNP rs763468090, ClinGen allele CA5209123.
Genomic context (GRCh38, chr9:115,090,825, plus strand): 5'-TCGCTGGGCTCTGAAGGCGGTGCCAGGTCTTTCTCCCCACTGGCTGACTCCAGATCCACC[G>A]AACACTGGGATCCCACTGGCAGCTTGATGTTGTAAACGTGGTTAAACACCACTGGCTGGT-3'
Protein context (NP_002151.2, residues 55-75): NIKLPVGSQC[Ser65Leu]VDLESASGEK

ClinVar aggregate classification (germline): Likely benign (0 of 4 stars; one submission).

Conditions:
TNC-related disorder. Also called: TNC-related condition.

gnomAD v4.1: 36 of 1,614,058 alleles (0.0022%); highest among the groups gnomAD compares: Admixed American, 0.048%; no homozygotes.

Submission:

PreventionGenetics, part of Exact Sciences
Classification: Likely benign for TNC-related condition. Last evaluated: 2022-08-05. Review status: no assertion criteria provided. Collection method: clinical testing. Allele origin: germline.
Comment: This variant is classified as likely benign based on ACMG/AMP sequence variant interpretation guidelines (Richards et al. 2015 PMID: 25741868, with internal and published modifications).